The following is an entry in ClinVar:

NM_000051.4(ATM):c.4289_4292del (p.Asn1430fs)

Gene: ATM (ATM serine/threonine kinase; plus strand). Cytogenetic location: 11q22.3.
Variant type: Deletion.
Coding change: c.4289_4292del on transcript NM_000051.4 (MANE Select); coding-DNA positions 4289 to 4292, 4 bases deleted (ATAA; older notation c.4289_4292delATAA).
Protein change: p.Asn1430fs; shifts the reading frame from asparagine 1430.
Molecular consequence: frameshift variant.
Genome position (GRCh38, 1-based): chr11:108,289,654-108,289,657, ATAA deleted; deleting any 4 consecutive bases within chr11:108,289,652-108,289,657 gives the same sequence; the c. name uses the placement nearest the transcript's 3' end. VCF-style (leftmost placement, unchanged base first): chr11-108289651-CAAAT-C. GRCh37 (hg19) VCF-style: chr11-108160378-CAAAT-C.
Other names: c.4289_4292del, p.Asn1430fs (NM_001351834.2); short protein forms N1430fs.
Identifiers: ClinVar variation 1321375 (VCV001321375.2), dbSNP rs2135760623, ClinGen allele CA2573053402.

ClinVar aggregate classification (germline): Pathogenic/Likely pathogenic. Review status: criteria provided, multiple submitters, no conflicts (2 of 4 stars). 3 submissions from 3 submitters: Pathogenic (2); Likely pathogenic (1). Last evaluated 2024-01-23.

Conditions:
Ataxia-telangiectasia syndrome (AT). Also called: Ataxia telangiectasia (A-T); LOUIS-BAR SYNDROME; AT, COMPLEMENTATION GROUP C; ATAXIA-TELANGIECTASIA, COMPLEMENTATION GROUP A; ATAXIA-TELANGIECTASIA, FRESNO VARIANT; Ataxia-telangiectasia. Identifiers: Orphanet 100, MedGen C0004135, MONDO:0008840, OMIM 208900.
Hereditary cancer-predisposing syndrome. Also called: Neoplastic Syndromes, Hereditary; Hereditary Cancer Syndrome; Tumor predisposition; Hereditary neoplastic syndrome. Identifiers: Orphanet 140162, MedGen C0027672, MeSH D009386, MONDO:0015356.
Familial cancer of breast. Also called: Hereditary breast cancer; hereditary breast carcinoma; BREAST CANCER, FAMILIAL. Identifiers: Orphanet 227535, MedGen C0346153, MONDO:0016419, OMIM 114480. Disease mechanism: loss of function.

Submissions (3):

Myriad Genetics, Inc.
Classification: Pathogenic for Familial cancer of breast. Last evaluated: 2024-01-23. Review status: criteria provided, single submitter. Criteria: Myriad Autosomal Dominant, Autosomal Recessive and X-Linked Classification Criteria (2023). Collection method: clinical testing. Allele origin: unknown.
Comment: This variant is considered pathogenic. This variant creates a frameshift predicted to result in premature protein truncation.

Ambry Genetics
Classification: Pathogenic for Hereditary cancer-predisposing syndrome. Last evaluated: 2023-12-15. Review status: criteria provided, single submitter. Criteria: Ambry Variant Classification Scheme 2023. Collection method: clinical testing. Allele origin: germline.
Comment: The c.4289_4292delATAA pathogenic mutation, located in coding exon 28 of the ATM gene, results from a deletion of 4 nucleotides at nucleotide positions 4289 to 4292, causing a translational frameshift with a predicted alternate stop codon (p.N1430Mfs*20). This variant is considered to be rare based on population cohorts in the Genome Aggregation Database (gnomAD). This alteration is expected to result in loss of function by premature protein truncation or nonsense-mediated mRNA decay. As such, this alteration is interpreted as a disease-causing mutation.

Women's Health and Genetics/Laboratory Corporation of America, LabCorp
Classification: Likely pathogenic for Ataxia-telangiectasia syndrome. Last evaluated: 2021-10-01. Review status: criteria provided, single submitter. Criteria: LabCorp Variant Classification Summary - May 2015. Collection method: clinical testing. Allele origin: germline.
Comment: Variant summary: ATM c.4289_4292delATAA (p.Asn1430MetfsX20) results in a premature termination codon, predicted to cause a truncation of the encoded protein or absence of the protein due to nonsense mediated decay, which are commonly known mechanisms for disease. Truncations downstream of this position have been classified as pathogenic by our laboratory. The variant was absent in 249824 control chromosomes (gnomAD). To our knowledge, no occurrence of c.4289_4292delATAA in individuals affected with Ataxia-Telangiectasia and no experimental evidence demonstrating its impact on protein function have been reported. No clinical diagnostic laboratories have submitted clinical-significance assessments for this variant to ClinVar after 2014. Based on the evidence outlined above, the variant was classified as likely pathogenic.